The following is an entry in ClinVar:

NM_001267550.2(TTN):c.17750dup (p.Pro5918fs)

Gene: TTN (titin; minus strand). Cytogenetic location: 2q31.2.
Variant type: Duplication.
Coding change: c.17750dup on transcript NM_001267550.2 (MANE Select); coding-DNA position 17750, one base duplicated (T; older notation c.17750dupT).
Protein change: p.Pro5918fs; shifts the reading frame from proline 5918.
Molecular consequence: frameshift variant. On other transcripts: intron variant (3).
Genome position (GRCh38, 1-based): chr2:178,730,783, A duplicated on the plus strand (T on the coding strand, the reverse complement: TTN is on the minus strand). VCF-style (leftmost placement, unchanged base first): chr2-178730782-T-TA. GRCh37 (hg19) VCF-style: chr2-179595509-T-TA.
Other names: c.16799dup, p.Pro5601fs (NM_001256850.1); c.14018dup, p.Pro4674fs (NM_133378.4); c.13282+7299dup (NM_003319.4); c.13858+7299dup (NM_133437.4); c.13657+7299dup (NM_133432.3); short protein forms P4674fs, P5601fs, P5918fs.
Identifiers: ClinVar variation 3759855 (VCV003759855.2).

ClinVar aggregate classification (germline): Likely pathogenic (1 of 4 stars; one submission).

Conditions:
Dilated cardiomyopathy 1G (CMD1G). Identifiers: Orphanet 154, MedGen C1858763, MONDO:0011400, OMIM 604145.
Autosomal recessive limb-girdle muscular dystrophy type 2J (LGMDR10). Also called: Limb-girdle muscular dystrophy, type 2J; MUSCULAR DYSTROPHY, LIMB-GIRDLE, AUTOSOMAL RECESSIVE 10. Identifiers: Orphanet 140922, MedGen C1837342, MONDO:0012127, OMIM 608807.

Submission:

Labcorp Genetics (formerly Invitae), Labcorp
Classification: Likely pathogenic for Dilated cardiomyopathy 1G; Autosomal recessive limb-girdle muscular dystrophy type 2J. Last evaluated: 2025-10-02. Review status: criteria provided, single submitter. Criteria: Invitae Variant Classification Sherloc (09022015). Collection method: clinical testing. Allele origin: germline.
Comment: This sequence change creates a premature translational stop signal (p.Pro5918Thrfs*15) in the TTN gene. While this is not anticipated to result in nonsense mediated decay, it is expected to create a truncated TTN protein. This variant is not present in population databases (gnomAD no frequency). This variant has not been reported in the literature in individuals affected with TTN-related conditions. ClinVar contains an entry for this variant (Variation ID: 3759855). This variant is located in the I band of TTN (PMID: 25589632). Truncating variants in this region have been reported in individuals affected with autosomal recessive centronuclear myopathy (PMID: 23975875, internal data). Truncating variants in this region have also been identified in individuals affected with autosomal dominant dilated cardiomyopathy and/or cardio-related conditions (PMID: 27869827, 32964742, internal data). In summary, the currently available evidence indicates that the variant is pathogenic, but additional data are needed to prove that conclusively. Therefore, this variant has been classified as Likely Pathogenic.

Literature cited by the submitters: PubMed 25589632; PubMed 23975875; PubMed 27869827; PubMed 32964742.